The following is an entry in ClinVar:

ClinVar aggregate classification (germline): Pathogenic (1 of 4 stars; one submission).

Submission:

GeneDx
Classification: Pathogenic. Last evaluated: 2015-12-28. Review status: criteria provided, single submitter. Criteria: GeneDx Variant Classification (06012015). Collection method: clinical testing. Allele origin: germline. Affected: yes.
Comment: The c.2156delT pathogenic variant in the TSC1 gene causes a frameshift starting with codon Leucine719, changes this amino acid to a Proline residue and creates a premature Stop codon at position 5 ofthe new reading frame, denoted p.L719PfsX5. This pathogenic variant is predicted to cause loss ofnormal protein function either through protein truncation or nonsense-mediated mRNA decay. It wasnot observed in approximately 6,500 individuals of European and African American ancestry in theNHLBI Exome Sequencing Project, indicating it is not a common benign variant in these populations.Multiple downstream frameshift variants have been reported in Human Gene Mutation Database inassociation with tuberous sclerosis complex (Stenson et al., 2014).

NM_000368.5(TSC1):c.2156del (p.Leu719fs)

Gene: TSC1 (TSC complex subunit 1; minus strand). Cytogenetic location: 9q34.13.
Variant type: Deletion.
Coding change: c.2156del on transcript NM_000368.5 (MANE Select); coding-DNA position 2156, one base deleted (T; older notation c.2156delT).
Protein change: p.Leu719fs; shifts the reading frame from leucine 719.
Molecular consequence: frameshift variant.
Genome position (GRCh38, 1-based): chr9:132,903,703, A deleted on the plus strand (T on the coding strand, the reverse complement: TSC1 is on the minus strand). VCF-style (leftmost placement, unchanged base first): chr9-132903702-GA-G. GRCh37 (hg19) VCF-style: chr9-135779089-GA-G.
Other names: c.2156delT (NM_000368.4); c.2153del, p.Leu718fs (NM_001162426.2); c.2003del, p.Leu668fs (NM_001162427.2); c.1793del, p.Leu598fs (NM_001362177.2); short protein forms L598fs, L668fs, L718fs, L719fs.
Identifiers: ClinVar variation 280208 (VCV000280208.2), dbSNP rs886041456, ClinGen allele CA10603102.